The following is an entry in ClinVar:

NM_058216.3(RAD51C):c.634C>G (p.Arg212Gly)

Genes: RAD51C (RAD51 paralog C; plus strand), LOC129390903 (MPRA-validated peak2919 silencer; plus strand). Cytogenetic location: 17q22.
Variant type: single nucleotide variant.
Coding change: c.634C>G on transcript NM_058216.3 (MANE Select); coding-DNA position 634, C replaced by G.
Protein change: p.Arg212Gly; replaces arginine 212 with glycine.
Molecular consequence: missense variant. On other transcripts: non-coding transcript variant (1).
Genome position (GRCh38, 1-based): chr17:58,703,258, C>G. VCF-style: chr17-58703258-C-G. GRCh37 (hg19) VCF-style: chr17-56780619-C-G.
Other names: short protein forms R212G.
Identifiers: ClinVar variation 486273 (VCV000486273.18), dbSNP rs137947462, ClinGen allele CA400349490.

ClinVar aggregate classification (germline): Conflicting classifications of pathogenicity. Review status: criteria provided, conflicting classifications (1 of 4 stars). 3 submissions from 3 submitters: Uncertain significance (2); Likely benign (1). Last evaluated 2025-10-17.

Conditions:
Fanconi anemia complementation group O. Also called: RAD51C-Related Fanconi Anemia. Identifiers: Orphanet 84, MedGen C3150653, MONDO:0013248, OMIM 613390.
Hereditary cancer-predisposing syndrome. Also called: Tumor predisposition; Neoplastic Syndromes, Hereditary; Hereditary Cancer Syndrome; Hereditary neoplastic syndrome. Identifiers: Orphanet 140162, MedGen C0027672, MeSH D009386, MONDO:0015356.

Submissions (3):

Ambry Genetics
Classification: Likely benign for Hereditary cancer-predisposing syndrome. Last evaluated: 2025-10-17. Review status: criteria provided, single submitter. Criteria: Ambry Variant Classification Scheme 2023. Collection method: clinical testing. Allele origin: germline.

Labcorp Genetics (formerly Invitae), Labcorp
Classification: Uncertain significance for Fanconi anemia complementation group O. Last evaluated: 2023-05-11. Review status: criteria provided, single submitter. Criteria: Invitae Variant Classification Sherloc (09022015). Collection method: clinical testing. Allele origin: germline.
Comment: This sequence change replaces arginine, which is basic and polar, with glycine, which is neutral and non-polar, at codon 212 of the RAD51C protein (p.Arg212Gly). In summary, the available evidence is currently insufficient to determine the role of this variant in disease. Therefore, it has been classified as a Variant of Uncertain Significance. Advanced modeling of protein sequence and biophysical properties (such as structural, functional, and spatial information, amino acid conservation, physicochemical variation, residue mobility, and thermodynamic stability) performed at Invitae indicates that this missense variant is expected to disrupt RAD51C protein function. ClinVar contains an entry for this variant (Variation ID: 486273). This variant has not been reported in the literature in individuals affected with RAD51C-related conditions. This variant is not present in population databases (gnomAD no frequency).

Color Diagnostics, LLC DBA Color Health
Classification: Uncertain significance for Hereditary cancer-predisposing syndrome. Last evaluated: 2019-03-06. Review status: criteria provided, single submitter. Criteria: ACMG Guidelines, 2015. Collection method: clinical testing. Allele origin: germline.